The following is an entry in ClinVar:

NM_006767.4(LZTR1):c.1355del (p.Lys452fs)

Gene: LZTR1 (leucine zipper like post translational regulator 1; plus strand). Cytogenetic location: 22q11.21.
Variant type: Deletion.
Coding change: c.1355del on transcript NM_006767.4 (MANE Select); coding-DNA position 1355, one base deleted (A; older notation c.1355delA).
Protein change: p.Lys452fs; shifts the reading frame from lysine 452.
Molecular consequence: frameshift variant.
Genome position (GRCh38, 1-based): chr22:20,993,925, A deleted; the last of 2 consecutive A bases (chr22:20,993,924-20,993,925); deleting either gives the same sequence. VCF-style (leftmost placement, unchanged base first): chr22-20993923-GA-G. GRCh37 (hg19) VCF-style: chr22-21348212-GA-G.
Other names: short protein forms K452fs.
Identifiers: ClinVar variation 2106994 (VCV002106994.4), dbSNP rs2518620351, ClinGen allele CA2580099161.

ClinVar aggregate classification (germline): Pathogenic (1 of 4 stars; one submission).

Submission:

Labcorp Genetics (formerly Invitae), Labcorp
Classification: Pathogenic. Last evaluated: 2022-03-04. Review status: criteria provided, single submitter. Criteria: Invitae Variant Classification Sherloc (09022015). Collection method: clinical testing. Allele origin: germline.
Comment: For these reasons, this variant has been classified as Pathogenic. This sequence change creates a premature translational stop signal (p.Lys452Argfs*9) in the LZTR1 gene. It is expected to result in an absent or disrupted protein product. Loss-of-function variants in LZTR1 are known to be pathogenic (PMID: 24362817, 25335493, 25480913, 25795793, 29469822, 30442762, 30442766, 30481304, 30859559). This variant is not present in population databases (gnomAD no frequency). This variant has not been reported in the literature in individuals affected with LZTR1-related conditions. Algorithms developed to predict the effect of sequence changes on RNA splicing suggest that this variant may disrupt the consensus splice site.

Literature cited by the submitters: PubMed 24362817; PubMed 25335493; PubMed 25480913; PubMed 25795793; PubMed 29469822; PubMed 30442762; PubMed 30442766; PubMed 30481304; PubMed 30859559.